The following is an entry in ClinVar:

ClinVar aggregate classification (germline): Uncertain significance (1 of 4 stars; one submission).

Conditions:
Cardiovascular phenotype. Identifiers: MedGen CN230736.

Allele frequency attached by ClinVar (database versions not stated): TOPMed 0.00003.

Submission:

Ambry Genetics
Classification: Uncertain significance for Cardiovascular phenotype. Last evaluated: 2025-11-04. Review status: criteria provided, single submitter. Criteria: Ambry Variant Classification Scheme 2023. Collection method: clinical testing. Allele origin: germline.
Comment: The p.T230A variant (also known as c.688A>G), located in coding exon 7 of the LDLRAP1 gene, results from an A to G substitution at nucleotide position 688. The threonine at codon 230 is replaced by alanine, an amino acid with similar properties. This amino acid position is conserved. In addition, this alteration is predicted to be tolerated by in silico analysis. Since supporting evidence is limited at this time, the clinical significance of this alteration remains unclear.

NM_015627.3(LDLRAP1):c.688A>G (p.Thr230Ala)

Gene: LDLRAP1 (low density lipoprotein receptor adaptor protein 1; plus strand). Cytogenetic location: 1p36.11.
Variant type: single nucleotide variant.
Coding change: c.688A>G on transcript NM_015627.3 (MANE Select); coding-DNA position 688, A replaced by G.
Protein change: p.Thr230Ala; replaces threonine 230 with alanine.
Molecular consequence: missense variant.
Genome position (GRCh38, 1-based): chr1:25,563,732, A>G. VCF-style: chr1-25563732-A-G. GRCh37 (hg19) VCF-style: chr1-25890223-A-G.
Other names: short protein forms T230A.
Identifiers: ClinVar variation 1755977 (VCV001755977.3), dbSNP rs1056123624, ClinGen allele CA19645822.